The following is an entry in ClinVar:

NM_173079.5(RUNDC1):c.957G>A (p.Thr319=)

Gene: RUNDC1 (RUN domain containing 1; plus strand). Cytogenetic location: 17q21.31.
Variant type: single nucleotide variant.
Coding change: c.957G>A on transcript NM_173079.5 (MANE Select); coding-DNA position 957, G replaced by A.
Protein change: p.Thr319=; no amino-acid change (threonine 319 retained).
Molecular consequence: synonymous variant.
Genome position (GRCh38, 1-based): chr17:42,990,417, G>A. VCF-style: chr17-42990417-G-A. GRCh37 (hg19) VCF-style: chr17-41142434-G-A.
Other names: c.963G>A, p.Thr321= (NM_001321381.3); c.957G>A, p.Thr319= (NM_001394222.1).
Identifiers: ClinVar variation 2647810 (VCV002647810.24), dbSNP rs540156841, ClinGen allele CA8588699.
Genomic context (GRCh38, chr17:42,990,417, plus strand): 5'-TGAGTGCAAGGCCGGTGGGAAGACAGGAAATGGCTGCAGCAGAACAGGCAGCAGCAGAAC[G>A]CCTCCAGGAAACAGCAAAAGTAAGTGCAGTTTCCAGAACAGGCAAATCTCTAGAGACAGA-3'
Protein context (NP_775102.3, residues 309-329): NGCSRTGSSR[Thr319=]PPGNSKTKAE

ClinVar aggregate classification (germline): Likely benign (1 of 4 stars; one submission).

Allele frequency attached by ClinVar (database versions not stated): gnomAD exomes 0.00008; gnomAD 0.00015; TOPMed 0.00019; ExAC 0.00032; 1000 Genomes Project 30x 0.00047; 1000 Genomes Project 0.00060.
gnomAD v4.1: 178 of 1,613,880 alleles (0.011%); highest among the groups gnomAD compares: East Asian, 0.28%; 2 homozygotes.

Submission:

CeGaT Center for Human Genetics Tuebingen
Classification: Likely benign. Last evaluated: 2023-03-01. Review status: criteria provided, single submitter. Criteria: CeGaT Center For Human Genetics Tuebingen Variant Classification Criteria Version 2. Collection method: clinical testing. Allele origin: germline. Affected: yes. Observed: 1 variant allele.
Comment: RUNDC1: BP4, BP7